The following is an entry in ClinVar:

NM_000492.4(CFTR):c.1131G>C (p.Lys377Asn)

Gene: CFTR (CF transmembrane conductance regulator; plus strand). Cytogenetic location: 7q31.2.
Variant type: single nucleotide variant.
Coding change: c.1131G>C on transcript NM_000492.4 (MANE Select); coding-DNA position 1131, G replaced by C.
Protein change: p.Lys377Asn; replaces lysine 377 with asparagine.
Molecular consequence: missense variant.
Genome position (GRCh38, 1-based): chr7:117,542,030, G>C. VCF-style: chr7-117542030-G-C. GRCh37 (hg19) VCF-style: chr7-117182084-G-C.
Other names: short protein forms K377N.
Identifiers: ClinVar variation 4843831 (VCV004843831.1).

ClinVar aggregate classification (germline): Uncertain significance (1 of 4 stars; one submission).

Conditions:
Cystic fibrosis (CF). Also called: MUCOVISCIDOSIS. Identifiers: Orphanet 586, MedGen C0010674, MONDO:0009061, OMIM 219700. Disease mechanism: loss of function.

Submission:

Ambry Genetics
Classification: Uncertain significance for Cystic fibrosis. Last evaluated: 2026-01-14. Review status: criteria provided, single submitter. Criteria: Ambry Variant Classification Scheme 2023. Collection method: clinical testing. Allele origin: germline.
Comment: The p.K377N variant (also known as c.1131G>C), located in coding exon 9 of the CFTR gene, results from a G to C substitution at nucleotide position 1131. The lysine at codon 377 is replaced by asparagine, an amino acid with similar properties. This amino acid position is conserved. In addition, the in silico prediction for this alteration is inconclusive. Based on the available evidence, the clinical significance of this variant remains unclear.